The following is an entry in ClinVar:

NM_001034853.2(RPGR):c.2921_2947dup (p.Glu982_Glu983insGlyGluGluGlyGluGlyGluGlyGlu)

Gene: RPGR (retinitis pigmentosa GTPase regulator; minus strand). Cytogenetic location: Xp11.4.
Variant type: Duplication.
Coding change: c.2921_2947dup on transcript NM_001034853.2 (MANE Select); coding-DNA positions 2921 to 2947, 27 bases duplicated (GGGAGGAAGGAGAAGGGGAGGGGGAAG).
Protein change: p.Glu982_Glu983insGlyGluGluGlyGluGlyGluGlyGlu.
Molecular consequence: inframe insertion. On other transcripts: intron variant (8).
Genome position (GRCh38, 1-based): chrX:38,286,052-38,286,078, CTTCCCCCTCCCCTTCTCCTTCCTCCC duplicated on the plus strand (GGGAGGAAGGAGAAGGGGAGGGGGAAG on the coding strand, the reverse complement: RPGR is on the minus strand); duplicating any 27 consecutive bases within chrX:38,286,052-38,286,085 gives the same sequence; the c. name uses the placement nearest the transcript's 3' end. VCF-style (leftmost placement, unchanged base first): chrX-38286051-T-TCTTCCCCCTCCCCTTCTCCTTCCTCCC. GRCh37 (hg19) VCF-style: chrX-38145304-T-TCTTCCCCCTCCCCTTCTCCTTCCTCCC.
Other names: c.1569+4881_1569+4907dup (NM_001367249.1, NM_001367250.1); c.1902+1016_1902+1042dup (NM_001367245.1); c.1386+4881_1386+4907dup (NM_001367251.1); c.1719+1016_1719+1042dup (NM_001367246.1); c.1572+4881_1572+4907dup (NM_001367247.1); c.1905+1016_1905+1042dup (NM_000328.3); c.1602+4881_1602+4907dup (NM_001367248.1).
Identifiers: ClinVar variation 2965098 (VCV002965098.3), dbSNP rs2519784470, ClinGen allele CA2740092098.

ClinVar aggregate classification (germline): Uncertain significance (1 of 4 stars; one submission).

Conditions:
Primary ciliary dyskinesia. Also called: Ciliary dyskinesia. Identifiers: Orphanet 244, MedGen C0008780, MONDO:0016575, HP:0012265.

Submission:

Labcorp Genetics (formerly Invitae), Labcorp
Classification: Uncertain significance for Primary ciliary dyskinesia. Last evaluated: 2023-10-22. Review status: criteria provided, single submitter. Criteria: Invitae Variant Classification Sherloc (09022015). Collection method: clinical testing. Allele origin: germline.
Comment: This variant, c.2921_2947dup, results in the insertion of 9 amino acid(s) of the RPGR (ORF15) protein (p.Gly974_Glu982dup), but otherwise preserves the integrity of the reading frame. This variant is not present in population databases (gnomAD no frequency). This variant has not been reported in the literature in individuals affected with RPGR (ORF15)-related conditions. In summary, the available evidence is currently insufficient to determine the role of this variant in disease. Therefore, it has been classified as a Variant of Uncertain Significance.